The following is an entry in ClinVar:

NM_178857.6(RP1L1):c.6611A>C (p.Glu2204Ala)

Gene: RP1L1 (RP1 like 1). Cytogenetic location: 8p23.1.
Variant type: single nucleotide variant.
Coding change: c.6611A>C on transcript NM_178857.6 (MANE Select); coding-DNA position 6611, A replaced by C.
Protein change: p.Glu2204Ala; replaces glutamic acid 2204 with alanine.
Molecular consequence: missense variant.
Genome position (GRCh38, 1-based): chr8:10,607,487, T>G on the plus strand (A>C on the coding strand, the complement: RP1L1 is on the minus strand). VCF-style: chr8-10607487-T-G. GRCh37 (hg19) VCF-style: chr8-10464997-T-G.
Other names: short protein forms E2204A.
Identifiers: ClinVar variation 493467 (VCV000493467.49), dbSNP rs200588941, ClinGen allele CA4623241.

ClinVar aggregate classification (germline): Conflicting classifications of pathogenicity. Review status: criteria provided, conflicting classifications (1 of 4 stars). 4 submissions from 4 submitters: Uncertain significance (2); Benign (1); Likely benign (1). Last evaluated 2024-11-08.

Conditions:
Inborn genetic diseases. Identifiers: MedGen C0950123, MeSH D030342.
Occult macular dystrophy (OCMD). Also called: OCCULT MACULAR DYSTROPHY, SUSCEPTIBILITY TO; OMD. Identifiers: Orphanet 247834, MedGen C3150833, MONDO:0013316, OMIM 613587, HP:0030636.

Allele frequency attached by ClinVar (database versions not stated): ExAC 0.00012; 1000 Genomes Project 0.00020; gnomAD 0.00023 and 0.00024; gnomAD exomes 0.00025; 1000 Genomes Project 30x 0.00031.
gnomAD v4.1: 396 of 1,609,392 alleles (0.025%); highest among the groups gnomAD compares: Non-Finnish European, 0.032%; no homozygotes.

Submissions (4):

Blueprint Genetics
Classification: Likely benign. Last evaluated: 2024-11-08. Review status: criteria provided, single submitter. Criteria: ACMG Guidelines, 2015. Collection method: clinical testing. Allele origin: germline.

Ambry Genetics
Classification: Uncertain significance for Inborn genetic diseases. Last evaluated: 2021-06-18. Review status: criteria provided, single submitter. Criteria: Ambry Variant Classification Scheme 2023. Collection method: clinical testing. Allele origin: germline.

CeGaT Center for Human Genetics Tuebingen
Classification: Uncertain significance. Last evaluated: 2018-08-01. Review status: criteria provided, single submitter. Criteria: CeGaT Center For Human Genetics Tuebingen Variant Classification Criteria Version 2. Collection method: clinical testing. Allele origin: germline. Affected: yes. Observed: 3 variant alleles.

Illumina Laboratory Services, Illumina
Classification: Benign for Occult macular dystrophy. Last evaluated: 2018-03-26. Review status: criteria provided, single submitter. Criteria: ICSL Variant Classification Criteria 13 December 2019. Collection method: clinical testing. Allele origin: germline.
Comment: This variant was observed in the ICSL laboratory as part of a predisposition screen in an ostensibly healthy population. It had not been previously curated by ICSL or reported in the Human Gene Mutation Database (HGMD: prior to June 1st, 2018), and was therefore a candidate for classification through an automated scoring system. Utilizing variant allele frequency, disease prevalence and penetrance estimates, and inheritance mode, an automated score was calculated to assess if this variant is too frequent to cause the disease. Based on the score and internal cut-off values, a variant classified as benign is not then subjected to further curation. The score for this variant resulted in a classification of benign for this disease.